The following is an entry in ClinVar:

ClinVar aggregate classification (germline): Uncertain significance (1 of 4 stars; one submission).

Conditions:
Oligodontia-cancer predisposition syndrome. Also called: TOOTH AGENESIS-COLORECTAL CANCER SYNDROME. Identifiers: Orphanet 300576, MedGen C1837750, MONDO:0012075, OMIM 608615. Disease mechanism: loss of function.

Submission:

Labcorp Genetics (formerly Invitae), Labcorp
Classification: Uncertain significance for Oligodontia-cancer predisposition syndrome. Last evaluated: 2024-09-17. Review status: criteria provided, single submitter. Criteria: Invitae Variant Classification Sherloc (09022015). Collection method: clinical testing. Allele origin: germline.
Comment: This sequence change falls in intron 9 of the AXIN2 gene. It does not directly change the encoded amino acid sequence of the AXIN2 protein. It affects a nucleotide within the consensus splice site. This variant is not present in population databases (gnomAD no frequency). This variant has not been reported in the literature in individuals affected with AXIN2-related conditions. Variants that disrupt the consensus splice site are a relatively common cause of aberrant splicing (PMID: 17576681, 9536098). Studies have shown that this variant is associated with inconclusive levels of altered splicing (internal data). In summary, the available evidence is currently insufficient to determine the role of this variant in disease. Therefore, it has been classified as a Variant of Uncertain Significance.

Literature cited by the submitters: PubMed 17576681; PubMed 9536098.

NM_004655.4(AXIN2):c.2237+6T>C

Gene: AXIN2 (axin 2; minus strand). Cytogenetic location: 17q24.1.
Variant type: single nucleotide variant.
Coding change: c.2237+6T>C on transcript NM_004655.4 (MANE Select); 6 bases into the intron after coding-DNA position 2237, T replaced by C.
Molecular consequence: intron variant.
Genome position (GRCh38, 1-based): chr17:65,535,620, A>G on the plus strand (T>C on the coding strand, the complement: AXIN2 is on the minus strand). VCF-style: chr17-65535620-A-G. GRCh37 (hg19) VCF-style: chr17-63531738-A-G.
Other names: c.2042+6T>C (NM_001363813.1).
Identifiers: ClinVar variation 3629413 (VCV003629413.2).
Genomic context (GRCh38, chr17:65,535,620, plus strand): 5'-GATAGCGAATATTCTGAAACATAAAGCACTCGGCAGATCTCAGTAATGTCAGGTAAAGAC[A>G]CTCACTCTTCTGGAGCCAGGCTTGGATTGGAGAAGGGTGTGGCTCCCGTCTGAACAGTGG-3'